The following is an entry in ClinVar:

ClinVar aggregate classification (germline): Benign/Likely benign. Review status: criteria provided, multiple submitters, no conflicts (2 of 4 stars). 4 submissions from 4 submitters: Benign (1); Likely benign (2). 1 of the submissions does not count toward it. Last evaluated 2026-01-28.

Conditions:
KCNC1-related disorder. Also called: KCNC1-related condition; KCNC1-Related Disorders. Identifiers: MedGen CN381541.
Inborn genetic diseases. Identifiers: MedGen C0950123, MeSH D030342.
Progressive myoclonic epilepsy type 7. Identifiers: Orphanet 435438, MedGen C4015420, MONDO:0014521, OMIM 616187.

Allele frequency attached by ClinVar (database versions not stated): gnomAD exomes 0.00003 and 0.00006; ExAC 0.00008; ESP Exome Variant Server 0.00023; gnomAD 0.00036 and 0.00038; TOPMed 0.00048; 1000 Genomes Project 0.00100; 1000 Genomes Project 30x 0.00109.
gnomAD v4.1: 101 of 1,613,998 alleles (0.0063%); highest among the groups gnomAD compares: African/African-American, 0.12%; no homozygotes.

Submissions (4):

Labcorp Genetics (formerly Invitae), Labcorp
Classification: Likely benign for Progressive myoclonic epilepsy type 7. Last evaluated: 2026-01-28. Review status: criteria provided, single submitter. Criteria: Invitae Variant Classification Sherloc (09022015). Collection method: clinical testing. Allele origin: germline.

Ambry Genetics
Classification: Likely benign for Inborn genetic diseases. Last evaluated: 2019-09-27. Review status: criteria provided, single submitter. Criteria: Ambry Variant Classification Scheme 2023. Collection method: clinical testing. Allele origin: germline.

GeneDx
Classification: Benign. Last evaluated: 2019-01-07. Review status: criteria provided, single submitter. Criteria: GeneDx Variant Classification Process June 2021. Collection method: clinical testing. Allele origin: germline. Affected: yes.

PreventionGenetics, part of Exact Sciences
Classification: Likely benign for KCNC1-related condition. Last evaluated: 2024-03-12. Review status: no assertion criteria provided. Collection method: clinical testing. Allele origin: germline. Not counted in ClinVar's aggregate classification.
Comment: This variant is classified as likely benign based on ACMG/AMP sequence variant interpretation guidelines (Richards et al. 2015 PMID: 25741868, with internal and published modifications).

NM_001112741.2(KCNC1):c.912G>A (p.Lys304=)

Gene: KCNC1 (potassium voltage-gated channel subfamily C member 1; plus strand). Cytogenetic location: 11p15.1.
Variant type: single nucleotide variant.
Coding change: c.912G>A on transcript NM_001112741.2 (MANE Select); coding-DNA position 912, G replaced by A.
Protein change: p.Lys304=; no amino-acid change (lysine 304 retained).
Molecular consequence: synonymous variant.
Genome position (GRCh38, 1-based): chr11:17,772,006, G>A. VCF-style: chr11-17772006-G-A. GRCh37 (hg19) VCF-style: chr11-17793553-G-A.
Other names: c.912G>A, p.Lys304= (NM_004976.4).
Identifiers: ClinVar variation 779590 (VCV000779590.17), dbSNP rs114815696, ClinGen allele CA5906747.